The following is an entry in ClinVar:

ClinVar aggregate classification (germline): Pathogenic (1 of 4 stars; one submission).

Submission:

Athena Diagnostics
Classification: Pathogenic. Last evaluated: 2023-06-30. Review status: criteria provided, single submitter. Criteria: Athena Diagnostics Criteria. Collection method: clinical testing. Allele origin: unknown.
Comment: This variant is expected to result in the loss of a functional protein. Multiple unrelated individuals with Duchenne muscular dystrophy (DMD) have been reported with similar deletions of exon 52. Similar variants have not been reported in large, multi-ethnic general populations (Genome Aggregation Database (gnomAD), Cambridge, MA (URL)).

Literature cited by the submitters: PubMed 16936400; PubMed 24236769; PubMed 20036901; PubMed 23588064; PubMed 27593222; PubMed 1864612; PubMed 2903663; PubMed 28116794; PubMed 28610567; PubMed 18752307; PubMed 19937601; PubMed 7897627; PubMed 2613240; PubMed 14977063; PubMed 2491010; PubMed 18663755; PubMed 10619712; PubMed 2585468; PubMed 15655674; PubMed 30564623; PubMed 11388892; PubMed 19084397; PubMed 16049303; PubMed 15684864; PubMed 28332368; PubMed 17259292; PubMed 19367636; PubMed 28181689; PubMed 19927354; PubMed 17854090; PubMed 27750387; PubMed 12668614.

Single allele

Gene: DMD (dystrophin; minus strand). Cytogenetic location: Xp21.1.
Variant type: Deletion.
Identifiers: ClinVar variation 1256405 (VCV001256405.3).